The following is an entry in ClinVar:

ClinVar aggregate classification (germline): Likely benign. Review status: criteria provided, multiple submitters, no conflicts (2 of 4 stars). 4 submissions from 4 submitters: Likely benign (3). 1 of the submissions does not count toward it. Last evaluated 2024-10-23.

Conditions:
CACNA1S-related disorder. Also called: CACNA1S-related condition.
Hypokalemic periodic paralysis, type 1. Also called: HypoPP; Hypokalemic Periodic Paralysis Type 1 (AD). Identifiers: Orphanet 681, MedGen C3714580, MONDO:0042979, OMIM 170400.
Malignant hyperthermia, susceptibility to, 5 (MHS5). Also called: CACNA1S-Related Malignant Hyperthermia Susceptibility. Identifiers: Orphanet 423, MedGen C1866077, MONDO:0011163, OMIM 601887.

Allele frequency attached by ClinVar (database versions not stated): gnomAD 0.00001; TOPMed 0.00002; ExAC 0.00004; gnomAD exomes 0.00004; 1000 Genomes Project 30x 0.00016; 1000 Genomes Project 0.00020.

Submissions (4):

Labcorp Genetics (formerly Invitae), Labcorp
Classification: Likely benign for Hypokalemic periodic paralysis, type 1; Malignant hyperthermia, susceptibility to, 5. Last evaluated: 2024-10-23. Review status: criteria provided, single submitter. Criteria: Invitae Variant Classification Sherloc (09022015). Collection method: clinical testing. Allele origin: germline.

All of Us Research Program, National Institutes of Health
Classification: Likely benign for Malignant hyperthermia, susceptibility to, 5. Last evaluated: 2023-04-27. Review status: criteria provided, single submitter. Criteria: ACMG Guidelines, 2015. Collection method: clinical testing. Allele origin: germline. Inheritance: Autosomal dominant inheritance. Observed: 2 variant alleles, 2 heterozygotes.
Comment: This study involves interpretation of variants in research participants for the purpose of population health screening. Participant phenotype was not available at the time of variant classification. Additional details can be found in publication PMID: 35346344, PMCID: PMC8962531

Color Diagnostics, LLC DBA Color Health
Classification: Likely benign for Malignant hyperthermia, susceptibility to, 5. Last evaluated: 2022-11-06. Review status: criteria provided, single submitter. Criteria: ACMG Guidelines, 2015. Collection method: clinical testing. Allele origin: germline.

PreventionGenetics, part of Exact Sciences
Classification: Likely benign for CACNA1S-related condition. Last evaluated: 2019-07-13. Review status: no assertion criteria provided. Collection method: clinical testing. Allele origin: germline. Not counted in ClinVar's aggregate classification.
Comment: This variant is classified as likely benign based on ACMG/AMP sequence variant interpretation guidelines (Richards et al. 2015 PMID: 25741868, with internal and published modifications).

NM_000069.3(CACNA1S):c.3627C>T (p.Ser1209=)

Gene: CACNA1S (calcium voltage-gated channel subunit alpha1 S; minus strand). Cytogenetic location: 1q32.1.
Variant type: single nucleotide variant.
Coding change: c.3627C>T on transcript NM_000069.3 (MANE Select); coding-DNA position 3627, C replaced by T.
Protein change: p.Ser1209=; no amino-acid change (serine 1209 retained).
Molecular consequence: synonymous variant.
Genome position (GRCh38, 1-based): chr1:201,054,544, G>A on the plus strand (C>T on the coding strand, the complement: CACNA1S is on the minus strand). VCF-style: chr1-201054544-G-A. GRCh37 (hg19) VCF-style: chr1-201023672-G-A.
Other names: c.3627C>T (NM_000069.2).
Identifiers: ClinVar variation 1085381 (VCV001085381.13), dbSNP rs200852196, ClinGen allele CA082675.